The following is an entry in ClinVar:

ClinVar aggregate classification (germline): Uncertain significance. Review status: criteria provided, multiple submitters, no conflicts (2 of 4 stars). 3 submissions from 3 submitters: Uncertain significance (3). Last evaluated 2026-01-25.

Conditions:
Familial thoracic aortic aneurysm and aortic dissection (TAAD). Also called: Thoracic aortic aneurysms and dissections. Identifiers: Orphanet 91387, MedGen C4707243, MONDO:0019625.
Aortic aneurysm, familial thoracic 7 (AAT7). Also called: AORTIC DISSECTION, FAMILIAL, WITH OR WITHOUT AORTIC ANEURYSM. Identifiers: MedGen C3151077, MONDO:0013418, OMIM 613780.

Allele frequency attached by ClinVar (database versions not stated): gnomAD 0.00001; TOPMed 0.00001; ExAC 0.00002; gnomAD exomes 0.00002.
gnomAD v4.1: 30 of 1,614,036 alleles (0.0019%); highest among the groups gnomAD compares: Non-Finnish European, 0.0025%; no homozygotes.

Submissions (3):

Labcorp Genetics (formerly Invitae), Labcorp
Classification: Uncertain significance for Aortic aneurysm, familial thoracic 7. Last evaluated: 2026-01-25. Review status: criteria provided, single submitter. Criteria: Invitae Variant Classification Sherloc (09022015). Collection method: clinical testing. Allele origin: germline.
Comment: This sequence change replaces arginine, which is basic and polar, with cysteine, which is neutral and slightly polar, at codon 1403 of the MYLK protein (p.Arg1403Cys). This variant is present in population databases (rs748559781, gnomAD 0.003%). This missense change has been observed in individuals with autosomal dominant thoracic aortic aneurysm and dissection (PMID: 30739908; internal data). ClinVar contains an entry for this variant (Variation ID: 409696). Invitae Evidence Modeling of protein sequence and biophysical properties (such as structural, functional, and spatial information, amino acid conservation, physicochemical variation, residue mobility, and thermodynamic stability) has been performed for this missense variant. However, the output from this modeling did not meet the statistical confidence thresholds required to predict the impact of this variant on MYLK protein function. In summary, the available evidence is currently insufficient to determine the role of this variant in disease. Therefore, it has been classified as a Variant of Uncertain Significance.

Ambry Genetics
Classification: Uncertain significance for Familial thoracic aortic aneurysm and aortic dissection. Last evaluated: 2025-05-15. Review status: criteria provided, single submitter. Criteria: Ambry Variant Classification Scheme 2023. Collection method: clinical testing. Allele origin: germline.
Comment: The p.R1403C variant (also known as c.4207C>T), located in coding exon 21 of the MYLK gene, results from a C to T substitution at nucleotide position 4207. The arginine at codon 1403 is replaced by cysteine, an amino acid with highly dissimilar properties. This alteration has been reported in a thoracic aortic aneurysm and dissection (TAAD) cohort; however, clinical details were limited (Arnaud P et al. Genet Med, 2019 Sep;21:2015-2024). This amino acid position is highly conserved in available vertebrate species. In addition, this alteration is predicted to be deleterious by in silico analysis. Since supporting evidence is limited at this time, the clinical significance of this alteration remains unclear.

GeneDx
Classification: Uncertain significance. Last evaluated: 2025-03-04. Review status: criteria provided, single submitter. Criteria: GeneDx Variant Classification Process June 2021. Collection method: clinical testing. Allele origin: germline. Affected: yes.
Comment: Has been reported in association with TAAD in published literature (PMID: 30739908); Not observed at significant frequency in large population cohorts (gnomAD); In silico analysis supports that this missense variant has a deleterious effect on protein structure/function; This variant is associated with the following publications: (PMID: 30739908)

Literature cited by the submitters: PubMed 30739908 (cited by Labcorp Genetics (formerly Invitae), Labcorp and Ambry Genetics).

NM_053025.4(MYLK):c.4207C>T (p.Arg1403Cys)

Gene: MYLK (myosin light chain kinase; minus strand). Cytogenetic location: 3q21.1.
Variant type: single nucleotide variant.
Coding change: c.4207C>T on transcript NM_053025.4 (MANE Select); coding-DNA position 4207, C replaced by T.
Protein change: p.Arg1403Cys; replaces arginine 1403 with cysteine.
Molecular consequence: missense variant.
Genome position (GRCh38, 1-based): chr3:123,657,207, G>A on the plus strand (C>T on the coding strand, the complement: MYLK is on the minus strand). VCF-style: chr3-123657207-G-A. GRCh37 (hg19) VCF-style: chr3-123376054-G-A.
Other names: c.3679C>T, p.Arg1227Cys (NM_001321309.2); c.4000C>T, p.Arg1334Cys (NM_053026.4, NM_053028.4); c.4207C>T, p.Arg1403Cys (NM_053027.4); short protein forms R1403C, R1334C, R1227C.
Identifiers: ClinVar variation 409696 (VCV000409696.14), dbSNP rs748559781, ClinGen allele CA071074.